The following is an entry in ClinVar:

NM_052859.4(RFT1):c.973G>A (p.Ala325Thr)

Gene: RFT1 (RFT1 glycolipid translocator homolog; minus strand). Cytogenetic location: 3p21.1.
Variant type: single nucleotide variant.
Coding change: c.973G>A on transcript NM_052859.4 (MANE Select); coding-DNA position 973, G replaced by A.
Protein change: p.Ala325Thr; replaces alanine 325 with threonine.
Molecular consequence: missense variant.
Genome position (GRCh38, 1-based): chr3:53,104,082, C>T on the plus strand (G>A on the coding strand, the complement: RFT1 is on the minus strand). VCF-style: chr3-53104082-C-T. GRCh37 (hg19) VCF-style: chr3-53138098-C-T.
Other names: short protein forms A325T.
Identifiers: ClinVar variation 2132903 (VCV002132903.4), dbSNP rs748828737, ClinGen allele CA2451272.

ClinVar aggregate classification (germline): Uncertain significance (1 of 4 stars; one submission).

Conditions:
RFT1-congenital disorder of glycosylation (CDG1N). Also called: CDG In; RFT1-CDG; Congenital disorder of glycosylation type In. Identifiers: Orphanet 244310, MedGen C2677590, MONDO:0012783, OMIM 612015.

Allele frequency attached by ClinVar (database versions not stated): gnomAD 0.00001; gnomAD exomes 0.00001; ExAC 0.00002.
gnomAD v4.1: 20 of 1,614,046 alleles (0.0012%); highest among the groups gnomAD compares: Non-Finnish European, 0.00059%; no homozygotes.

Submission:

Labcorp Genetics (formerly Invitae), Labcorp
Classification: Uncertain significance for RFT1-congenital disorder of glycosylation. Last evaluated: 2022-05-03. Review status: criteria provided, single submitter. Criteria: Invitae Variant Classification Sherloc (09022015). Collection method: clinical testing. Allele origin: germline.
Comment: Algorithms developed to predict the effect of missense changes on protein structure and function are either unavailable or do not agree on the potential impact of this missense change (SIFT: "Tolerated"; PolyPhen-2: "Possibly Damaging"; Align-GVGD: "Class C0"). In summary, the available evidence is currently insufficient to determine the role of this variant in disease. Therefore, it has been classified as a Variant of Uncertain Significance. This variant has not been reported in the literature in individuals affected with RFT1-related conditions. This variant is present in population databases (rs748828737, gnomAD 0.01%). This sequence change replaces alanine, which is neutral and non-polar, with threonine, which is neutral and polar, at codon 325 of the RFT1 protein (p.Ala325Thr).